The following is an entry in ClinVar:

ClinVar aggregate classification (germline): Uncertain significance (1 of 4 stars; one submission).

gnomAD v4.1: 32 of 1,614,106 alleles (0.002%); highest among the groups gnomAD compares: African/African-American, 0.032%; no homozygotes.

Submission:

Labcorp Genetics (formerly Invitae), Labcorp
Classification: Uncertain significance. Last evaluated: 2026-01-27. Review status: criteria provided, single submitter. Criteria: Invitae Variant Classification Sherloc (09022015). Collection method: clinical testing. Allele origin: germline.
Comment: This sequence change replaces leucine, which is neutral and non-polar, with valine, which is neutral and non-polar, at codon 329 of the UBIAD1 protein (p.Leu329Val). This variant is present in population databases (rs147731107, gnomAD 0.02%). This variant has not been reported in the literature in individuals affected with UBIAD1-related conditions. Invitae Evidence Modeling of protein sequence and biophysical properties (such as structural, functional, and spatial information, amino acid conservation, physicochemical variation, residue mobility, and thermodynamic stability) indicates that this missense variant is not expected to disrupt UBIAD1 protein function with a negative predictive value of 80%. In summary, the available evidence is currently insufficient to determine the role of this variant in disease. Therefore, it has been classified as a Variant of Uncertain Significance.

NM_013319.3(UBIAD1):c.985C>G (p.Leu329Val)

Gene: UBIAD1 (UbiA prenyltransferase domain containing 1; plus strand). Cytogenetic location: 1p36.22.
Variant type: single nucleotide variant.
Coding change: c.985C>G on transcript NM_013319.3 (MANE Select); coding-DNA position 985, C replaced by G.
Protein change: p.Leu329Val; replaces leucine 329 with valine.
Molecular consequence: missense variant. On other transcripts: intron variant (2).
Genome position (GRCh38, 1-based): chr1:11,286,099, C>G. VCF-style: chr1-11286099-C-G. GRCh37 (hg19) VCF-style: chr1-11346156-C-G.
Other names: c.618+367C>G (NM_001330349.2); c.530-8774C>G (NM_001330350.2); short protein forms L329V.
Identifiers: ClinVar variation 4799575 (VCV004799575.1).